The following is an entry in ClinVar:

NM_001288705.3(CSF1R):c.1049A>C (p.Lys350Thr)

Gene: CSF1R (colony stimulating factor 1 receptor; minus strand). Cytogenetic location: 5q32.
Variant type: single nucleotide variant.
Coding change: c.1049A>C on transcript NM_001288705.3 (MANE Select); coding-DNA position 1049, A replaced by C.
Protein change: p.Lys350Thr; replaces lysine 350 with threonine.
Molecular consequence: missense variant. On other transcripts: non-coding transcript variant (2).
Genome position (GRCh38, 1-based): chr5:150,073,334, T>G on the plus strand (A>C on the coding strand, the complement: CSF1R is on the minus strand). VCF-style: chr5-150073334-T-G. GRCh37 (hg19) VCF-style: chr5-149452897-T-G.
Other names: c.1049A>C, p.Lys350Thr (NM_001349736.2, NM_001375320.1, NM_005211.4); c.605A>C, p.Lys202Thr (NM_001375321.1); short protein forms K202T, K350T.
Identifiers: ClinVar variation 3635553 (VCV003635553.2).
Genomic context (GRCh38, chr5:150,073,334, plus strand): 5'-GTGTAGACGGGAGCTGATAAGTGGTACCTGTATGTGTCCTTGGTGGTAGCATTAGCAAGC[T>G]TGGGCTCAGGCTGGTGGTCAGAAAAGGGTCCCAGGTAGGTCCAGTTAAAACCTTGCAGGC-3'
Protein context (NP_001275634.1, residues 340-360): GPFSDHQPEP[Lys350Thr]LANATTKDTY

ClinVar aggregate classification (germline): Uncertain significance (1 of 4 stars; one submission).

Submission:

Labcorp Genetics (formerly Invitae), Labcorp
Classification: Uncertain significance. Last evaluated: 2024-09-27. Review status: criteria provided, single submitter. Criteria: Invitae Variant Classification Sherloc (09022015). Collection method: clinical testing. Allele origin: germline.
Comment: This sequence change replaces lysine, which is basic and polar, with threonine, which is neutral and polar, at codon 350 of the CSF1R protein (p.Lys350Thr). This variant is not present in population databases (gnomAD no frequency). This variant has not been reported in the literature in individuals affected with CSF1R-related conditions. Invitae Evidence Modeling of protein sequence and biophysical properties (such as structural, functional, and spatial information, amino acid conservation, physicochemical variation, residue mobility, and thermodynamic stability) indicates that this missense variant is not expected to disrupt CSF1R protein function with a negative predictive value of 95%. In summary, the available evidence is currently insufficient to determine the role of this variant in disease. Therefore, it has been classified as a Variant of Uncertain Significance.